The following is an entry in ClinVar:

NM_006941.4(SOX10):c.407dup (p.Thr137fs)

Genes: POLR2F (RNA polymerase II, I and III subunit F; plus strand), SOX10 (SRY-box transcription factor 10; minus strand). Cytogenetic location: 22q13.1.
Variant type: Duplication.
Coding change: c.407dup on transcript NM_006941.4 (MANE Select); coding-DNA position 407, one base duplicated (A; older notation c.407dupA).
Protein change: p.Thr137fs; shifts the reading frame from threonine 137.
Molecular consequence: frameshift variant. On other transcripts: intron variant (3).
Genome position (GRCh38, 1-based): chr22:37,983,378, T duplicated on the plus strand (A on the coding strand, the reverse complement: SOX10 is on the minus strand); the first of 2 consecutive T bases (chr22:37,983,378-37,983,379); duplicating either gives the same sequence. VCF-style (leftmost placement, unchanged base first): chr22-37983377-C-CT. GRCh37 (hg19) VCF-style: chr22-38379384-C-CT.
Other names: c.*38+11069dup (NM_001363825.1); c.294-2775dup (NM_001301130.2); c.293+16209dup (NM_001301131.2); c.407dupA (NM_006941.3); short protein forms T137fs.
Identifiers: ClinVar variation 3959936 (VCV003959936.2).

ClinVar aggregate classification (germline): Pathogenic/Likely pathogenic. Review status: criteria provided, multiple submitters, no conflicts (2 of 4 stars). 2 submissions from 2 submitters: Pathogenic (1); Likely pathogenic (1). Last evaluated 2025-03-17.

Conditions:
Inborn genetic diseases. Identifiers: MedGen C0950123, MeSH D030342.
SOX10-related disorder. Also called: SOX10-related condition.

Submissions (2):

Ambry Genetics
Classification: Pathogenic for Inborn genetic diseases. Last evaluated: 2025-03-17. Review status: criteria provided, single submitter. Criteria: Ambry Variant Classification Scheme 2023. Collection method: clinical testing. Allele origin: germline.
Comment: The c.407dupA (p.T137Dfs*13) alteration, located in exon 2 (coding exon 1) of the SOX10 gene, consists of a duplication of A at position 407, causing a translational frameshift with a predicted alternate stop codon after 13 amino acids. This alteration is expected to result in loss of function by premature protein truncation or nonsense-mediated mRNA decay. This variant was not reported in population-based cohorts in the Genome Aggregation Database (gnomAD). Based on the available evidence, this alteration is classified as pathogenic.

Blueprint Genetics
Classification: Likely pathogenic for SOX10-related disorders. Last evaluated: 2022-01-21. Review status: criteria provided, single submitter. Criteria: ACMG Guidelines, 2015. Collection method: clinical testing. Allele origin: germline. Affected: yes. Observed: 1 variant allele.